The following is an entry in ClinVar:

ClinVar aggregate classification (germline): Likely pathogenic (1 of 4 stars; one submission).

Conditions:
Primary ciliary dyskinesia. Also called: Ciliary dyskinesia. Identifiers: Orphanet 244, MedGen C0008780, MONDO:0016575, HP:0012265.

gnomAD v4.1: 3 of 1,613,932 alleles (0.00019%); highest among the groups gnomAD compares: East Asian, 0.0022%; no homozygotes.

Submission:

Labcorp Genetics (formerly Invitae), Labcorp
Classification: Likely pathogenic for Primary ciliary dyskinesia. Last evaluated: 2025-06-12. Review status: criteria provided, single submitter. Criteria: Invitae Variant Classification Sherloc (09022015). Collection method: clinical testing. Allele origin: germline.
Comment: This sequence change replaces arginine, which is basic and polar, with proline, which is neutral and non-polar, at codon 3539 of the DNAH5 protein (p.Arg3539Pro). This variant is not present in population databases (gnomAD no frequency). This variant has not been reported in the literature in individuals affected with DNAH5-related conditions. ClinVar contains an entry for this variant (Variation ID: 2897799). Invitae Evidence Modeling of protein sequence and biophysical properties (such as structural, functional, and spatial information, amino acid conservation, physicochemical variation, residue mobility, and thermodynamic stability) indicates that this missense variant is expected to disrupt DNAH5 protein function with a positive predictive value of 95%. This variant disrupts the p.Arg3539 amino acid residue in DNAH5. Other variant(s) that disrupt this residue have been determined to be pathogenic (PMID: 22416021, 22499950, 24498942, 26373788). This suggests that this residue is clinically significant, and that variants that disrupt this residue are likely to be disease-causing. In summary, the currently available evidence indicates that the variant is pathogenic, but additional data are needed to prove that conclusively. Therefore, this variant has been classified as Likely Pathogenic.

Literature cited by the submitters: PubMed 22416021; PubMed 22499950; PubMed 24498942; PubMed 26373788.

NM_001369.3(DNAH5):c.10616G>C (p.Arg3539Pro)

Gene: DNAH5 (dynein axonemal heavy chain 5; minus strand). Cytogenetic location: 5p15.2.
Variant type: single nucleotide variant.
Coding change: c.10616G>C on transcript NM_001369.3 (MANE Select); coding-DNA position 10616, G replaced by C.
Protein change: p.Arg3539Pro; replaces arginine 3539 with proline.
Molecular consequence: missense variant.
Genome position (GRCh38, 1-based): chr5:13,753,489, C>G on the plus strand (G>C on the coding strand, the complement: DNAH5 is on the minus strand). VCF-style: chr5-13753489-C-G. GRCh37 (hg19) VCF-style: chr5-13753598-C-G.
Other names: short protein forms R3539P.
Identifiers: ClinVar variation 2897799 (VCV002897799.3), dbSNP rs769458738, ClinGen allele CA359192142.